The following is an entry in ClinVar:

ClinVar aggregate classification (germline): Uncertain significance. Review status: criteria provided, multiple submitters, no conflicts (2 of 4 stars). 2 submissions from 2 submitters: Uncertain significance (2). Last evaluated 2025-11-23.

gnomAD v4.1: 10 of 1,614,198 alleles (0.00062%); highest among the groups gnomAD compares: Middle Eastern, 0.016%; no homozygotes.

Submissions (2):

Labcorp Genetics (formerly Invitae), Labcorp
Classification: Uncertain significance. Last evaluated: 2025-11-23. Review status: criteria provided, single submitter. Criteria: Invitae Variant Classification Sherloc (09022015). Collection method: clinical testing. Allele origin: germline.
Comment: This sequence change replaces valine, which is neutral and non-polar, with methionine, which is neutral and non-polar, at codon 456 of the CARD8 protein (p.Val456Met). This variant is present in population databases (no rsID available, gnomAD 0.006%). This variant has not been reported in the literature in individuals affected with CARD8-related conditions. ClinVar contains an entry for this variant (Variation ID: 4219139). An algorithm developed to predict the effect of missense changes on protein structure and function (PolyPhen-2) suggests that this variant is likely to be disruptive. In summary, the available evidence is currently insufficient to determine the role of this variant in disease. Therefore, it has been classified as a Variant of Uncertain Significance.

Ambry Genetics
Classification: Uncertain significance. Last evaluated: 2025-07-16. Review status: criteria provided, single submitter. Criteria: Ambry Variant Classification Scheme 2023. Collection method: clinical testing. Allele origin: germline.

NM_001184900.3(CARD8):c.1516G>A (p.Val506Met)

Gene: CARD8 (caspase recruitment domain family member 8; minus strand). Cytogenetic location: 19q13.33.
Variant type: single nucleotide variant.
Coding change: c.1516G>A on transcript NM_001184900.3 (MANE Select); coding-DNA position 1516, G replaced by A.
Protein change: p.Val506Met; replaces valine 506 with methionine.
Molecular consequence: missense variant. On other transcripts: 3 prime UTR variant (7), non-coding transcript variant (3), intron variant (1).
Genome position (GRCh38, 1-based): chr19:48,211,808, C>T on the plus strand (G>A on the coding strand, the complement: CARD8 is on the minus strand). VCF-style: chr19-48211808-C-T. GRCh37 (hg19) VCF-style: chr19-48715065-C-T.
Other names: c.1366G>A, p.Val456Met (NM_001184901.1, NM_001351783.2, NM_014959.5); c.*195G>A (NM_001184902.2, NM_001184903.1, NM_001351788.2 and 4 more transcripts); c.1516G>A, p.Val506Met (NM_001351782.2); c.1201G>A, p.Val401Met (NM_001351784.2); c.1180G>A, p.Val394Met (NM_001351786.2); c.1198G>A, p.Val400Met (NM_001365950.1); c.1033+3532G>A (NM_001351787.2); short protein forms V401M, V394M, V506M, V400M, V456M.
Identifiers: ClinVar variation 4219139 (VCV004219139.2).
Genomic context (GRCh38, chr19:48,211,808, plus strand): 5'-GGTCCCTTTCACTAATGCTTCTGAAGAGCACGTCCAGGGCCAGGTCCCCTTTCTTCTCCA[C>T]CATGCTCAGCAAGGCCTCATTCTTGCTCTGCCGTGTCTTTTCCTGCTCCACCAGCTCCTT-3'
Protein context (NP_001171829.1, residues 496-516): QSKNEALLSM[Val506Met]EKKGDLALDV